The following is an entry in ClinVar:

ClinVar aggregate classification (germline): Uncertain significance (1 of 4 stars; one submission).

Conditions:
Ehlers-Danlos syndrome, classic type, 1 (EDSCL1). Also called: EHLERS-DANLOS SYNDROME, GRAVIS TYPE; EHLERS-DANLOS SYNDROME, SEVERE CLASSIC TYPE; Ehlers-Danlos syndrome, type 1; Ehlers-Danlos Syndrome, Classic Type, COL5A1-Related; EDS I. Identifiers: MedGen C0268335, MONDO:0019567, OMIM 130000.

gnomAD v4.1: 1 of 1,614,080 alleles (0.000062%); highest among the groups gnomAD compares: South Asian, 0.0011%; no homozygotes.

Submission:

Labcorp Genetics (formerly Invitae), Labcorp
Classification: Uncertain significance for Ehlers-Danlos syndrome, classic type, 1. Last evaluated: 2025-05-25. Review status: criteria provided, single submitter. Criteria: Invitae Variant Classification Sherloc (09022015). Collection method: clinical testing. Allele origin: germline.
Comment: This sequence change replaces glycine, which is neutral and non-polar, with valine, which is neutral and non-polar, at codon 1828 of the COL5A1 protein (p.Gly1828Val). This variant is not present in population databases (gnomAD no frequency). This variant has not been reported in the literature in individuals affected with COL5A1-related conditions. Invitae Evidence Modeling of protein sequence and biophysical properties (such as structural, functional, and spatial information, amino acid conservation, physicochemical variation, residue mobility, and thermodynamic stability) indicates that this missense variant is expected to disrupt COL5A1 protein function with a positive predictive value of 95%. In summary, the available evidence is currently insufficient to determine the role of this variant in disease. Therefore, it has been classified as a Variant of Uncertain Significance.

NM_000093.5(COL5A1):c.5483G>T (p.Gly1828Val)

Genes: COL5A1 (collagen type V alpha 1 chain; plus strand), LOC101448202 (uncharacterized LOC101448202; minus strand). Cytogenetic location: 9q34.3.
Variant type: single nucleotide variant.
Coding change: c.5483G>T on transcript NM_000093.5 (MANE Select); coding-DNA position 5483, G replaced by T.
Protein change: p.Gly1828Val; replaces glycine 1828 with valine.
Molecular consequence: missense variant.
Genome position (GRCh38, 1-based): chr9:134,842,269, G>T. VCF-style: chr9-134842269-G-T. GRCh37 (hg19) VCF-style: chr9-137734115-G-T.
Other names: c.5483G>T, p.Gly1828Val (NM_001278074.1); short protein forms G1828V.
Identifiers: ClinVar variation 4746358 (VCV004746358.1).